The following is an entry in ClinVar:

ClinVar aggregate classification (germline): Uncertain significance (1 of 4 stars; one submission).

Conditions:
Werner syndrome (WRN). Identifiers: Orphanet 902, MedGen C0043119, MONDO:0010196, OMIM 277700.

Submission:

Labcorp Genetics (formerly Invitae), Labcorp
Classification: Uncertain significance for Werner syndrome. Last evaluated: 2020-03-22. Review status: criteria provided, single submitter. Criteria: Invitae Variant Classification Sherloc (09022015). Collection method: clinical testing. Allele origin: germline.
Comment: In summary, the available evidence is currently insufficient to determine the role of this variant in disease. Therefore, it has been classified as a Variant of Uncertain Significance. Algorithms developed to predict the effect of missense changes on protein structure and function are either unavailable or do not agree on the potential impact of this missense change (SIFT: "Not Available"; PolyPhen-2: "Probably Damaging"; Align-GVGD: "Not Available"). This variant has not been reported in the literature in individuals with WRN-related conditions. This variant is not present in population databases (ExAC no frequency). This sequence change replaces isoleucine with threonine at codon 913 of the WRN protein (p.Ile913Thr). The isoleucine residue is highly conserved and there is a moderate physicochemical difference between isoleucine and threonine.

NM_000553.6(WRN):c.2738T>C (p.Ile913Thr)

Gene: WRN (WRN RecQ like helicase; plus strand). Cytogenetic location: 8p12.
Variant type: single nucleotide variant.
Coding change: c.2738T>C on transcript NM_000553.6 (MANE Select); coding-DNA position 2738, T replaced by C.
Protein change: p.Ile913Thr; replaces isoleucine 913 with threonine.
Molecular consequence: missense variant.
Genome position (GRCh38, 1-based): chr8:31,124,913, T>C. VCF-style: chr8-31124913-T-C. GRCh37 (hg19) VCF-style: chr8-30982429-T-C.
Other names: short protein forms I913T.
Identifiers: ClinVar variation 1020470 (VCV001020470.3), dbSNP rs1801859882, ClinGen allele CA370917265.